The following is an entry in ClinVar:

ClinVar aggregate classification (germline): Uncertain significance. Review status: criteria provided, multiple submitters, no conflicts (2 of 4 stars). 2 submissions from 2 submitters: Uncertain significance (2). Last evaluated 2026-06-19.

Conditions:
TTN-related disorder. Also called: TTN-related condition; TTN-related disease; TTN-related disorders.

Allele frequency attached by ClinVar (database versions not stated): gnomAD exomes below 0.00001 and 0.00002; gnomAD 0.00005 and 0.00006; TOPMed 0.00006.
gnomAD v4.1: 12 of 1,612,342 alleles (0.00074%); highest among the groups gnomAD compares: African/African-American, 0.015%; no homozygotes.

Submissions (2):

PreventionGenetics, part of Exact Sciences
Classification: Uncertain significance for TTN-related condition. Last evaluated: 2026-06-19. Review status: criteria provided, single submitter. Criteria: ACMG Guidelines, 2015. Collection method: clinical testing. Allele origin: germline.
Comment: The TTN c.48431A>C variant is predicted to result in the amino acid substitution p.Asp16144Ala. To our knowledge, this variant has not been reported in the literature. This variant is reported in 0.026% of alleles in individuals of African descent in gnomAD. At this time, the clinical significance of this variant is uncertain due to the absence of conclusive functional and genetic evidence.

Eurofins Ntd Llc (ga)
Classification: Uncertain significance. Last evaluated: 2016-12-01. Review status: criteria provided, single submitter. Criteria: EGL Classification Definitions 2015. Collection method: clinical testing. Allele origin: germline. Observed: 1 variant allele, 1 heterozygote.

NM_001267550.2(TTN):c.48431A>C (p.Asp16144Ala)

Genes: TTN (titin; minus strand), TTN-AS1 (TTN antisense RNA 1; plus strand). Cytogenetic location: 2q31.2.
Variant type: single nucleotide variant.
Coding change: c.48431A>C on transcript NM_001267550.2 (MANE Select); coding-DNA position 48431, A replaced by C.
Protein change: p.Asp16144Ala; replaces aspartic acid 16144 with alanine.
Molecular consequence: missense variant.
Genome position (GRCh38, 1-based): chr2:178,615,670, T>G on the plus strand (A>C on the coding strand, the complement: TTN is on the minus strand). VCF-style: chr2-178615670-T-G. GRCh37 (hg19) VCF-style: chr2-179480397-T-G.
Other names: c.43508A>C, p.Asp14503Ala (NM_001256850.1); c.21236A>C, p.Asp7079Ala (NM_003319.4); c.40727A>C, p.Asp13576Ala (NM_133378.4); c.21611A>C, p.Asp7204Ala (NM_133432.3); c.21812A>C, p.Asp7271Ala (NM_133437.4); short protein forms D13576A, D16144A, D7204A, D7271A, D14503A, D7079A.
Identifiers: ClinVar variation 498720 (VCV000498720.6), dbSNP rs879133118, ClinGen allele CA60988171.